The following is an entry in ClinVar:

NM_001378454.1(ALMS1):c.10448A>G (p.Tyr3483Cys)

Gene: ALMS1 (ALMS1 centrosome and basal body associated protein; plus strand). Cytogenetic location: 2p13.1.
Variant type: single nucleotide variant.
Coding change: c.10448A>G on transcript NM_001378454.1 (MANE Select); coding-DNA position 10448, A replaced by G.
Protein change: p.Tyr3483Cys; replaces tyrosine 3483 with cysteine.
Molecular consequence: missense variant.
Genome position (GRCh38, 1-based): chr2:73,572,325, A>G. VCF-style: chr2-73572325-A-G. GRCh37 (hg19) VCF-style: chr2-73799452-A-G.
Other names: c.10451A>G, p.Tyr3484Cys (NM_015120.4); short protein forms Y3483C, Y3484C.
Identifiers: ClinVar variation 1395324 (VCV001395324.6), dbSNP rs2104103714, ClinGen allele CA347282916.
Genomic context (GRCh38, chr2:73,572,325, plus strand): 5'-CCGAATGTCATTCAGAATTTGAAAATACTACCCGTTCTGTCTTCAGGTCAGCAAAGTTTT[A>G]CATTCATCATCCCGTACACCTACCAAGTGATCAAGATATTTGCCATGAATCTTTGGGAAA-3'
Protein context (NP_001365383.1, residues 3473-3493): TRSVFRSAKF[Tyr3483Cys]IHHPVHLPSD

ClinVar aggregate classification (germline): Uncertain significance (1 of 4 stars; one submission).

Conditions:
Alstrom syndrome (ALMS). Identifiers: Orphanet 64, MedGen C0268425, MONDO:0008763, OMIM 203800.

Allele frequency attached by ClinVar (database versions not stated): gnomAD exomes 0.00001.
gnomAD v4.1: 3 of 1,605,740 alleles (0.00019%); highest among the groups gnomAD compares: African/African-American, 0.0013%; no homozygotes.

Submission:

Labcorp Genetics (formerly Invitae), Labcorp
Classification: Uncertain significance for Alstrom syndrome. Last evaluated: 2022-03-03. Review status: criteria provided, single submitter. Criteria: Invitae Variant Classification Sherloc (09022015). Collection method: clinical testing. Allele origin: germline.
Comment: In summary, the available evidence is currently insufficient to determine the role of this variant in disease. Therefore, it has been classified as a Variant of Uncertain Significance. Experimental studies and prediction algorithms are not available or were not evaluated, and the functional significance of this variant is currently unknown. This variant has not been reported in the literature in individuals affected with ALMS1-related conditions. This variant is not present in population databases (gnomAD no frequency). This sequence change replaces tyrosine, which is neutral and polar, with cysteine, which is neutral and slightly polar, at codon 3484 of the ALMS1 protein (p.Tyr3484Cys).